The following is an entry in ClinVar:

ClinVar aggregate classification (germline): Uncertain significance (1 of 4 stars; one submission).

Allele frequency attached by ClinVar (database versions not stated): gnomAD exomes 0.00001 and 0.00003; ExAC 0.00004; gnomAD 0.00004.
gnomAD v4.1: 27 of 1,612,772 alleles (0.0017%); highest among the groups gnomAD compares: Non-Finnish European, 0.00059%; no homozygotes.

Submission:

Labcorp Genetics (formerly Invitae), Labcorp
Classification: Uncertain significance. Last evaluated: 2025-07-07. Review status: criteria provided, single submitter. Criteria: Invitae Variant Classification Sherloc (09022015). Collection method: clinical testing. Allele origin: germline.
Comment: This sequence change replaces glycine, which is neutral and non-polar, with alanine, which is neutral and non-polar, at codon 189 of the SKIV2L protein (p.Gly189Ala). This variant is present in population databases (rs772532899, gnomAD 0.03%). This variant has not been reported in the literature in individuals affected with SKIV2L-related conditions. ClinVar contains an entry for this variant (Variation ID: 1499121). An algorithm developed to predict the effect of missense changes on protein structure and function (PolyPhen-2) suggests that this variant is likely to be disruptive. In summary, the available evidence is currently insufficient to determine the role of this variant in disease. Therefore, it has been classified as a Variant of Uncertain Significance.

NM_006929.5(SKIC2):c.566G>C (p.Gly189Ala)

Gene: SKIC2 (SKI2 subunit of superkiller complex; plus strand). Cytogenetic location: 6p21.33.
Variant type: single nucleotide variant.
Coding change: c.566G>C on transcript NM_006929.5 (MANE Select); coding-DNA position 566, G replaced by C.
Protein change: p.Gly189Ala; replaces glycine 189 with alanine.
Molecular consequence: missense variant.
Genome position (GRCh38, 1-based): chr6:31,961,062, G>C. VCF-style: chr6-31961062-G-C. GRCh37 (hg19) VCF-style: chr6-31928839-G-C.
Other names: short protein forms G189A.
Identifiers: ClinVar variation 1499121 (VCV001499121.8), dbSNP rs772532899, ClinGen allele CA3729209.